The following is an entry in ClinVar:

NM_007078.3(LDB3):c.1703G>A (p.Arg568His)

Gene: LDB3 (LIM domain binding 3; plus strand). Cytogenetic location: 10q23.2.
Variant type: single nucleotide variant.
Coding change: c.1703G>A on transcript NM_007078.3 (MANE Select); coding-DNA position 1703, G replaced by A.
Protein change: p.Arg568His; replaces arginine 568 with histidine.
Molecular consequence: missense variant.
Genome position (GRCh38, 1-based): chr10:86,717,990, G>A. VCF-style: chr10-86717990-G-A. GRCh37 (hg19) VCF-style: chr10-88477747-G-A.
Other names: c.1703G>A (LRG_385t1); c.1373G>A, p.Arg458His (NM_001080114.2); c.1718G>A, p.Arg573His (NM_001171610.2); c.1514G>A, p.Arg505His (NM_001368064.1, NM_001368065.1); c.1562G>A, p.Arg521His (NM_001368066.1); short protein forms R568H, R573H, R458H, R505H, R521H.
Identifiers: ClinVar variation 464286 (VCV000464286.21), dbSNP rs769156627, ClinGen allele CA5585219.

ClinVar aggregate classification (germline): Uncertain significance. Review status: criteria provided, multiple submitters, no conflicts (2 of 4 stars). 5 submissions from 5 submitters: Uncertain significance (5). Last evaluated 2026-01-07.

Conditions:
Cardiovascular phenotype. Identifiers: MedGen CN230736.
Myofibrillar myopathy 4. Also called: Zaspopathy (type). Identifiers: Orphanet 98912, MedGen C4721886, MONDO:0012277, OMIM 609452.
Dilated cardiomyopathy 1C (CMD1C). Also called: Cardiomyopathy, dilated, 1C, with or without LVNC; CARDIOMYOPATHY, DILATED, 1C, WITH OR WITHOUT LEFT VENTRICULAR NONCOMPACTION. Identifiers: Orphanet 154, Orphanet 54260, MedGen C1832244, MONDO:0011094, OMIM 601493.
Primary dilated cardiomyopathy (DCM). Also called: Dilated Cardiomyopathy. Identifiers: Orphanet 217604, MedGen C0007193, MeSH D002311, MONDO:0005021, HP:0001644. Inheritance: Various modes of inheritance.

Allele frequency attached by ClinVar (database versions not stated): gnomAD 0.00002; ExAC 0.00003; gnomAD exomes 0.00003; TOPMed 0.00003.
gnomAD v4.1: 55 of 1,613,992 alleles (0.0034%); highest among the groups gnomAD compares: East Asian, 0.025%; no homozygotes.

Submissions (5):

Labcorp Genetics (formerly Invitae), Labcorp
Classification: Uncertain significance for Myofibrillar myopathy 4. Last evaluated: 2026-01-07. Review status: criteria provided, single submitter. Criteria: Invitae Variant Classification Sherloc (09022015). Collection method: clinical testing. Allele origin: germline.
Comment: The LDB3 gene has multiple clinically relevant transcripts. This variant occurs in alternate transcript NM_007078.2, and corresponds to NM_001080116.1:c.*18616G>A in the primary transcript. This sequence change replaces arginine, which is basic and polar, with histidine, which is basic and polar, at codon 568 of the LDB3 protein (p.Arg568His). This variant is present in population databases (rs769156627, gnomAD 0.03%). This variant has not been reported in the literature in individuals affected with LDB3-related conditions. Experimental studies and prediction algorithms are not available or were not evaluated, and the functional significance of this variant is currently unknown. In summary, the available evidence is currently insufficient to determine the role of this variant in disease. Therefore, it has been classified as a Variant of Uncertain Significance.

Ambry Genetics
Classification: Uncertain significance for Cardiovascular phenotype. Last evaluated: 2025-05-21. Review status: criteria provided, single submitter. Criteria: Ambry Variant Classification Scheme 2023. Collection method: clinical testing. Allele origin: germline.

Fulgent Genetics
Classification: Uncertain significance for Dilated cardiomyopathy 1C; Myofibrillar myopathy 4. Last evaluated: 2021-10-25. Review status: criteria provided, single submitter. Criteria: ACMG Guidelines, 2015. Collection method: clinical testing. Allele origin: unknown.

Diagnostics Services (NGS), CSIR - Centre For Cellular And Molecular Biology
Classification: Uncertain significance for Primary dilated cardiomyopathy. Last evaluated: 2020-03-23. Review status: criteria provided, single submitter. Criteria: ACMG Guidelines, 2015. Collection method: clinical testing. Allele origin: unknown. Inheritance: Autosomal dominant inheritance. Affected: yes. Observed: 1 heterozygote.
Comment: The c.1703G>A variant is not present in publicly available databases like 1000 Genomes and Exome Variant Server (EVS). It is present in Exome Aggregation Consortium (ExAC), Genome Aggregation Database (gnomAD) and dbSNP at a very low frequency (MAF<0.0001), in heterozygous state. The variant is not present in our in-house exome database.The variant was reported earlier to ClinVar as uncertain significance, in association with myofibrillar myopathy (ClinVar Accession: VCV000464286.1). The variant is present in a highly conserved region and in-silico pathogenicity prediction programs like SIFT, PolyPhen-2, MutationTaster2, CADD etc. predicted this variant to be likely deleterious. However there are no documented studies to prove this. Due to lack of enough evidence the variant has been classified as uncertain significance.

Juno Genomics, Hangzhou Juno Genomics, Inc
Classification: Uncertain significance for Myofibrillar myopathy 4. Review status: criteria provided, single submitter. Criteria: ACMG Guidelines, 2015. Collection method: clinical testing. Allele origin: germline. Affected: yes.
Comment: Absent from controls (or at extremely low frequency if recessive) in Genome Aggregation Database, Exome Sequencing Project, 1000 Genomes Project, or Exome Aggregation Consortium.;Multiple lines of computational evidence support a deleterious effect on the gene or gene product (conservation, evolutionary, splicing impact, etc).;Patient's phenotype or family history is highly specific for a disease with a single genetic etiology.